The following is an entry in ClinVar:

ClinVar aggregate classification (germline): Benign/Likely benign. Review status: criteria provided, multiple submitters, no conflicts (2 of 4 stars). 3 submissions from 3 submitters: Benign (1); Likely benign (1). 1 of the submissions does not count toward it. Last evaluated 2025-05-01.

Conditions:
TENM4-related disorder. Also called: TENM4-related condition.

Allele frequency attached by ClinVar (database versions not stated): 1000 Genomes Project 0.00020; 1000 Genomes Project 30x 0.00062; ESP Exome Variant Server 0.00175.
gnomAD v4.1: 3,917 of 1,513,104 alleles (0.26%); highest among the groups gnomAD compares: Non-Finnish European, 0.17%; 37 homozygotes.

Submissions (3):

CeGaT Center for Human Genetics Tuebingen
Classification: Likely benign. Last evaluated: 2025-05-01. Review status: criteria provided, single submitter. Criteria: CeGaT Center For Human Genetics Tuebingen Variant Classification Criteria Version 2. Collection method: clinical testing. Allele origin: germline. Affected: yes. Observed: 3 variant alleles.
Comment: TENM4: BP4, BP7

Mayo Clinic Laboratories, Mayo Clinic
Classification: Benign. Last evaluated: 2023-07-10. Review status: criteria provided, single submitter. Criteria: ACMG Guidelines, 2015. Collection method: clinical testing. Allele origin: germline. Observed: 6 variant alleles.
Comment: BS1, BS2, BP4, BP7

PreventionGenetics, part of Exact Sciences
Classification: Likely benign for TENM4-related condition. Last evaluated: 2024-05-01. Review status: no assertion criteria provided. Collection method: clinical testing. Allele origin: germline. Not counted in ClinVar's aggregate classification.
Comment: This variant is classified as likely benign based on ACMG/AMP sequence variant interpretation guidelines (Richards et al. 2015 PMID: 25741868, with internal and published modifications).

NM_001098816.3(TENM4):c.648G>C (p.Thr216=)

Gene: TENM4 (teneurin transmembrane protein 4; minus strand). Cytogenetic location: 11q14.1.
Variant type: single nucleotide variant.
Coding change: c.648G>C on transcript NM_001098816.3 (MANE Select); coding-DNA position 648, G replaced by C.
Protein change: p.Thr216=; no amino-acid change (threonine 216 retained).
Molecular consequence: synonymous variant.
Genome position (GRCh38, 1-based): chr11:78,903,369, C>G on the plus strand (G>C on the coding strand, the complement: TENM4 is on the minus strand). VCF-style: chr11-78903369-C-G. GRCh37 (hg19) VCF-style: chr11-78614414-C-G.
Other names: p.Thr216=; c.648G>C (NM_001098816.2).
Identifiers: ClinVar variation 2642235 (VCV002642235.25), dbSNP rs370715239, ClinGen allele CA6207652.